The following is an entry in ClinVar:

NM_000350.3(ABCA4):c.1938-619A>G

Gene: ABCA4 (ATP binding cassette subfamily A member 4; minus strand). Cytogenetic location: 1p22.1.
Variant type: single nucleotide variant.
Coding change: c.1938-619A>G on transcript NM_000350.3 (MANE Select); 619 bases into the intron before coding-DNA position 1938, A replaced by G.
Molecular consequence: intron variant.
Genome position (GRCh38, 1-based): chr1:94,061,378, T>C on the plus strand (A>G on the coding strand, the complement: ABCA4 is on the minus strand). VCF-style: chr1-94061378-T-C. GRCh37 (hg19) VCF-style: chr1-94526934-T-C.
Identifiers: ClinVar variation 1452678 (VCV001452678.7), dbSNP rs2101076246, ClinGen allele CA2573132700.

ClinVar aggregate classification (germline): Pathogenic/Likely pathogenic. Review status: criteria provided, multiple submitters, no conflicts (2 of 4 stars). 2 submissions from 2 submitters: Pathogenic (1); Likely pathogenic (1). Last evaluated 2025-08-26.

Conditions:
ABCA4-related disorder. Also called: ABCA4-related disorders; ABCA4-related condition. Identifiers: MedGen CN239167.

Submissions (2):

Labcorp Genetics (formerly Invitae), Labcorp
Classification: Pathogenic. Last evaluated: 2025-08-26. Review status: criteria provided, single submitter. Criteria: Invitae Variant Classification Sherloc (09022015). Collection method: clinical testing. Allele origin: germline.
Comment: This sequence change falls in intron 13 of the ABCA4 gene. It does not directly change the encoded amino acid sequence of the ABCA4 protein. This variant is not present in population databases (gnomAD no frequency). This variant has been observed in individual(s) with Stargardt disease (PMID: 25082829, 32307445). In at least one individual the data is consistent with being in trans (on the opposite chromosome) from a pathogenic variant. ClinVar contains an entry for this variant (Variation ID: 1452678). Studies have shown that this variant alters mRNA splicing and is expected to lead to the loss of protein expression (PMID: 31397521). For these reasons, this variant has been classified as Pathogenic.

Blueprint Genetics
Classification: Likely pathogenic for ABCA4-related disorders. Last evaluated: 2020-09-09. Review status: criteria provided, single submitter. Criteria: ACMG Guidelines, 2015. Collection method: clinical testing. Allele origin: germline. Affected: yes. Observed: 4 variant alleles.

Literature cited by the submitters: PubMed 25082829 (cited by Labcorp Genetics (formerly Invitae), Labcorp); PubMed 32307445 (cited by Labcorp Genetics (formerly Invitae), Labcorp); PubMed 31397521 (cited by Labcorp Genetics (formerly Invitae), Labcorp).